The following is an entry in ClinVar:

NM_006231.4(POLE):c.3253G>A (p.Glu1085Lys)

Gene: POLE (DNA polymerase epsilon, catalytic subunit; minus strand). Cytogenetic location: 12q24.33.
Variant type: single nucleotide variant.
Coding change: c.3253G>A on transcript NM_006231.4 (MANE Select); coding-DNA position 3253, G replaced by A.
Protein change: p.Glu1085Lys; replaces glutamic acid 1085 with lysine.
Molecular consequence: missense variant.
Genome position (GRCh38, 1-based): chr12:132,659,317, C>T on the plus strand (G>A on the coding strand, the complement: POLE is on the minus strand). VCF-style: chr12-132659317-C-T. GRCh37 (hg19) VCF-style: chr12-133235903-C-T.
Other names: c.3253G>A (NM_006231.2); short protein forms E1085K.
Identifiers: ClinVar variation 835392 (VCV000835392.8), dbSNP rs1482283883, ClinGen allele CA387390329.
Genomic context (GRCh38, chr12:132,659,317, plus strand): 5'-AGGAGCCCTCACCTCTCCGTGATGGGGGGAGCCCTCACCTCTCCGTGACAGGGGAGCCCT[C>T]GGGCTTGCGGGAGATGATGTAGCGGCAACTCAGCCCTGCATCCTTGACCATCTGGTCTCC-3'
Protein context (NP_006222.2, residues 1075-1095): SCRYIISRKP[Glu1085Lys]GSPVTERAIP

ClinVar aggregate classification (germline): Uncertain significance. Review status: criteria provided, multiple submitters, no conflicts (2 of 4 stars). 2 submissions from 2 submitters: Uncertain significance (2). Last evaluated 2025-08-14.

Conditions:
Hereditary cancer-predisposing syndrome. Also called: Hereditary neoplastic syndrome; Neoplastic Syndromes, Hereditary; Tumor predisposition; Hereditary Cancer Syndrome. Identifiers: Orphanet 140162, MedGen C0027672, MeSH D009386, MONDO:0015356.

Allele frequency attached by ClinVar (database versions not stated): gnomAD exomes below 0.00001; gnomAD 0.00001; TOPMed 0.00001.
gnomAD v4.1: 4 of 1,611,882 alleles (0.00025%); highest among the groups gnomAD compares: African/African-American, 0.0027%; no homozygotes.

Submissions (2):

Labcorp Genetics (formerly Invitae), Labcorp
Classification: Uncertain significance. Last evaluated: 2025-08-14. Review status: criteria provided, single submitter. Criteria: Invitae Variant Classification Sherloc (09022015). Collection method: clinical testing. Allele origin: germline.
Comment: This sequence change replaces glutamic acid, which is acidic and polar, with lysine, which is basic and polar, at codon 1085 of the POLE protein (p.Glu1085Lys). This variant is not present in population databases (gnomAD no frequency). This variant has not been reported in the literature in individuals affected with POLE-related conditions. ClinVar contains an entry for this variant (Variation ID: 835392). Invitae Evidence Modeling of protein sequence and biophysical properties (such as structural, functional, and spatial information, amino acid conservation, physicochemical variation, residue mobility, and thermodynamic stability) indicates that this missense variant is not expected to disrupt POLE protein function with a negative predictive value of 80%. In summary, the available evidence is currently insufficient to determine the role of this variant in disease. Therefore, it has been classified as a Variant of Uncertain Significance.

Ambry Genetics
Classification: Uncertain significance for Hereditary cancer-predisposing syndrome. Last evaluated: 2024-12-17. Review status: criteria provided, single submitter. Criteria: Ambry Variant Classification Scheme 2023. Collection method: clinical testing. Allele origin: germline.
Comment: The p.E1085K variant (also known as c.3253G>A), located in coding exon 26 of the POLE gene, results from a G to A substitution at nucleotide position 3253. The glutamic acid at codon 1085 is replaced by lysine, an amino acid with similar properties. This amino acid position is highly conserved in available vertebrate species. In addition, the in silico prediction for this alteration is inconclusive. Based on the available evidence, the clinical significance of this variant remains unclear.